The following is an entry in ClinVar:

NM_021224.6(ZNF462):c.6749G>A (p.Gly2250Asp)

Gene: ZNF462 (zinc finger protein 462; plus strand). Cytogenetic location: 9q31.2.
Variant type: single nucleotide variant.
Coding change: c.6749G>A on transcript NM_021224.6 (MANE Select); coding-DNA position 6749, G replaced by A.
Protein change: p.Gly2250Asp; replaces glycine 2250 with aspartic acid.
Molecular consequence: missense variant.
Genome position (GRCh38, 1-based): chr9:106,974,190, G>A. VCF-style: chr9-106974190-G-A. GRCh37 (hg19) VCF-style: chr9-109736471-G-A.
Other names: c.4154G>A, p.Gly1385Asp (NM_001347997.2); short protein forms G1385D, G2250D.
Identifiers: ClinVar variation 3898970 (VCV003898970.1).

ClinVar aggregate classification (germline): Uncertain significance (1 of 4 stars; one submission).

Submission:

GeneDx
Classification: Uncertain significance. Last evaluated: 2024-11-07. Review status: criteria provided, single submitter. Criteria: GeneDx Variant Classification Process June 2021. Collection method: clinical testing. Allele origin: germline. Affected: yes.
Comment: Not observed at significant frequency in large population cohorts (gnomAD); In silico analysis supports that this missense variant has a deleterious effect on protein structure/function; Has not been previously published as pathogenic or benign to our knowledge